The following is an entry in ClinVar:

NM_000051.4(ATM):c.1473C>G (p.Thr491=)

Gene: ATM (ATM serine/threonine kinase; plus strand). Cytogenetic location: 11q22.3.
Variant type: single nucleotide variant.
Coding change: c.1473C>G on transcript NM_000051.4 (MANE Select); coding-DNA position 1473, C replaced by G.
Protein change: p.Thr491=; no amino-acid change (threonine 491 retained).
Molecular consequence: synonymous variant.
Genome position (GRCh38, 1-based): chr11:108,250,938, C>G. VCF-style: chr11-108250938-C-G. GRCh37 (hg19) VCF-style: chr11-108121665-C-G.
Other names: c.1473C>G, p.Thr491= (NM_001351834.2).
Identifiers: ClinVar variation 215576 (VCV000215576.17), dbSNP rs764937436, ClinGen allele CA338997.

ClinVar aggregate classification (germline): Benign/Likely benign. Review status: criteria provided, multiple submitters, no conflicts (2 of 4 stars). 4 submissions from 4 submitters: Benign (1); Likely benign (3). Last evaluated 2025-07-15.

Conditions:
Hereditary cancer-predisposing syndrome. Also called: Tumor predisposition; Hereditary Cancer Syndrome; Neoplastic Syndromes, Hereditary; Hereditary neoplastic syndrome. Identifiers: Orphanet 140162, MedGen C0027672, MeSH D009386, MONDO:0015356.
Familial cancer of breast. Also called: Hereditary breast cancer; BREAST CANCER, FAMILIAL; hereditary breast carcinoma. Identifiers: Orphanet 227535, MedGen C0346153, MONDO:0016419, OMIM 114480. Disease mechanism: loss of function.
Ataxia-telangiectasia syndrome (AT). Also called: Cerebello-oculocutaneous telangiectasia; Immunodeficiency with ataxia telangiectasia; Ataxia telangiectasia (A-T); LOUIS-BAR SYNDROME; ATAXIA-TELANGIECTASIA, COMPLEMENTATION GROUP A; ATAXIA-TELANGIECTASIA, FRESNO VARIANT. Identifiers: Orphanet 100, MedGen C0004135, MONDO:0008840, OMIM 208900.

Allele frequency attached by ClinVar (database versions not stated): gnomAD exomes below 0.00001; TOPMed below 0.00001; ExAC 0.00001; gnomAD 0.00001.
gnomAD v4.1: 6 of 1,613,970 alleles (0.00037%); highest among the groups gnomAD compares: Non-Finnish European, 0.00042%; no homozygotes.

Submissions (4):

Labcorp Genetics (formerly Invitae), Labcorp
Classification: Likely benign for Ataxia-telangiectasia syndrome. Last evaluated: 2025-07-15. Review status: criteria provided, single submitter. Criteria: Invitae Variant Classification Sherloc (09022015). Collection method: clinical testing. Allele origin: germline.

Myriad Genetics, Inc.
Classification: Benign for Familial cancer of breast. Last evaluated: 2024-04-29. Review status: criteria provided, single submitter. Criteria: Myriad Autosomal Dominant, Autosomal Recessive and X-Linked Classification Criteria (2023). Collection method: clinical testing. Allele origin: unknown.
Comment: This variant is considered benign. This variant is a silent/synonymous amino acid change and it is not expected to impact splicing.

Ambry Genetics
Classification: Likely benign for Hereditary cancer-predisposing syndrome. Last evaluated: 2021-12-18. Review status: criteria provided, single submitter. Criteria: Ambry Variant Classification Scheme 2023. Collection method: clinical testing. Allele origin: germline.

Color Diagnostics, LLC DBA Color Health
Classification: Likely benign for Hereditary cancer-predisposing syndrome. Last evaluated: 2019-05-28. Review status: criteria provided, single submitter. Criteria: ACMG Guidelines, 2015. Collection method: clinical testing. Allele origin: germline.